The following is an entry in ClinVar:

NM_021224.6(ZNF462):c.3788G>A (p.Arg1263Gln)

Gene: ZNF462 (zinc finger protein 462; plus strand). Cytogenetic location: 9q31.2.
Variant type: single nucleotide variant.
Coding change: c.3788G>A on transcript NM_021224.6 (MANE Select); coding-DNA position 3788, G replaced by A.
Protein change: p.Arg1263Gln; replaces arginine 1263 with glutamine.
Molecular consequence: missense variant. On other transcripts: intron variant (1).
Genome position (GRCh38, 1-based): chr9:106,927,700, G>A. VCF-style: chr9-106927700-G-A. GRCh37 (hg19) VCF-style: chr9-109689981-G-A.
Other names: c.3252+536G>A (NM_001347997.2); short protein forms R1263Q.
Identifiers: ClinVar variation 3378254 (VCV003378254.1).

ClinVar aggregate classification (germline): Uncertain significance (1 of 4 stars; one submission).

gnomAD v4.1: 2 of 1,613,998 alleles (0.00012%); highest among the groups gnomAD compares: Non-Finnish European, 0.00017%; no homozygotes.

Submission:

GeneDx
Classification: Uncertain significance. Last evaluated: 2024-05-12. Review status: criteria provided, single submitter. Criteria: GeneDx Variant Classification Process June 2021. Collection method: clinical testing. Allele origin: germline. Affected: yes.
Comment: Not observed at significant frequency in large population cohorts (gnomAD); In silico analysis indicates that this missense variant does not alter protein structure/function; Has not been previously published as pathogenic or benign to our knowledge